The following is an entry in ClinVar:

ClinVar aggregate classification (germline): Uncertain significance. Review status: criteria provided, multiple submitters, no conflicts (2 of 4 stars). 2 submissions from 2 submitters: Uncertain significance (2). Last evaluated 2025-10-14.

Conditions:
Hypertrophic cardiomyopathy 14. Identifiers: MedGen C2750467, MONDO:0013197, OMIM 613251.
Cardiovascular phenotype. Identifiers: MedGen CN230736.

gnomAD v4.1: 4 of 1,614,210 alleles (0.00025%); highest among the groups gnomAD compares: Admixed American, 0.005%; no homozygotes.

Submissions (2):

Ambry Genetics
Classification: Uncertain significance for Cardiovascular phenotype. Last evaluated: 2025-10-14. Review status: criteria provided, single submitter. Criteria: Ambry Variant Classification Scheme 2023. Collection method: clinical testing. Allele origin: germline.
Comment: The p.E802D variant (also known as c.2406G>C), located in coding exon 18 of the MYH6 gene, results from a G to C substitution at nucleotide position 2406. The glutamic acid at codon 802 is replaced by aspartic acid, an amino acid with highly similar properties. This amino acid position is highly conserved in available vertebrate species. In addition, the in silico prediction for this alteration is inconclusive. Since supporting evidence is limited at this time, the clinical significance of this alteration remains unclear.

Labcorp Genetics (formerly Invitae), Labcorp
Classification: Uncertain significance for Hypertrophic cardiomyopathy 14. Last evaluated: 2024-03-11. Review status: criteria provided, single submitter. Criteria: Invitae Variant Classification Sherloc (09022015). Collection method: clinical testing. Allele origin: germline.
Comment: This sequence change replaces glutamic acid, which is acidic and polar, with aspartic acid, which is acidic and polar, at codon 802 of the MYH6 protein (p.Glu802Asp). This variant is not present in population databases (gnomAD no frequency). This variant has not been reported in the literature in individuals affected with MYH6-related conditions. ClinVar contains an entry for this variant (Variation ID: 1522036). Advanced modeling of protein sequence and biophysical properties (such as structural, functional, and spatial information, amino acid conservation, physicochemical variation, residue mobility, and thermodynamic stability) performed at Invitae indicates that this missense variant is not expected to disrupt MYH6 protein function with a negative predictive value of 80%. In summary, the available evidence is currently insufficient to determine the role of this variant in disease. Therefore, it has been classified as a Variant of Uncertain Significance.

NM_002471.4(MYH6):c.2406G>C (p.Glu802Asp)

Gene: MYH6 (myosin heavy chain 6; minus strand). Cytogenetic location: 14q11.2.
Variant type: single nucleotide variant.
Coding change: c.2406G>C on transcript NM_002471.4 (MANE Select); coding-DNA position 2406, G replaced by C.
Protein change: p.Glu802Asp; replaces glutamic acid 802 with aspartic acid.
Molecular consequence: missense variant.
Genome position (GRCh38, 1-based): chr14:23,396,307, C>G on the plus strand (G>C on the coding strand, the complement: MYH6 is on the minus strand). VCF-style: chr14-23396307-C-G. GRCh37 (hg19) VCF-style: chr14-23865516-C-G.
Other names: short protein forms E802D.
Identifiers: ClinVar variation 1522036 (VCV001522036.9), dbSNP rs1566511224, ClinGen allele CA389016107.